The following is an entry in ClinVar:

NM_000257.4(MYH7):c.3451G>C (p.Glu1151Gln)

Gene: MYH7 (myosin heavy chain 7; minus strand). Cytogenetic location: 14q11.2.
Variant type: single nucleotide variant.
Coding change: c.3451G>C on transcript NM_000257.4 (MANE Select); coding-DNA position 3451, G replaced by C.
Protein change: p.Glu1151Gln; replaces glutamic acid 1151 with glutamine.
Molecular consequence: missense variant.
Genome position (GRCh38, 1-based): chr14:23,420,120, C>G on the plus strand (G>C on the coding strand, the complement: MYH7 is on the minus strand). VCF-style: chr14-23420120-C-G. GRCh37 (hg19) VCF-style: chr14-23889329-C-G.
Other names: short protein forms E1151Q.
Identifiers: ClinVar variation 629612 (VCV000629612.4), dbSNP rs1370927693, ClinGen allele CA389043849.

ClinVar aggregate classification (germline): Uncertain significance (1 of 4 stars; one submission).

Conditions:
Cardiomyopathy (CMYO). Also called: Cardiomyopathies. Identifiers: Orphanet 167848, MedGen C0878544, MONDO:0004994, HP:0001638. Inheritance: Various modes of inheritance.

Allele frequency attached by ClinVar (database versions not stated): TOPMed below 0.00001; gnomAD 0.00001.

Submission:

Color Diagnostics, LLC DBA Color Health
Classification: Uncertain significance for Cardiomyopathy. Last evaluated: 2023-12-05. Review status: criteria provided, single submitter. Criteria: ACMG Guidelines, 2015. Collection method: clinical testing. Allele origin: germline.
Comment: Variant of Uncertain Significance due to insufficient evidence: This missense variant is located in the neck and hinge (S2) domain of the MYH7 protein. Computational prediction tools and conservation analyses suggest that this variant may have deleterious impact on the protein function. Computational splicing tools suggest that this variant may not impact RNA splicing. To our knowledge, functional assays have not been performed for this variant nor has this variant been reported in individuals affected with cardiovascular disorders in the literature. This variant is rare in the general population and has been identified in 0/277264 chromosomes by the Genome Aggregation Database (gnomAD). Available evidence is insufficient to determine the pathogenicity of this variant conclusively.